The following is an entry in ClinVar:

NM_031924.8(RSPH3):c.-143del

Gene: RSPH3 (radial spoke head 3; minus strand). Cytogenetic location: 6q25.3.
Variant type: Deletion.
Coding change: c.-143del on transcript NM_031924.8 (MANE Select); 143 bases upstream of the start codon, one base deleted (C; older notation c.-143delC).
Molecular consequence: 5 prime UTR variant. On other transcripts: frameshift variant (1), non-coding transcript variant (1).
Genome position (GRCh38, 1-based): chr6:158,999,693, G deleted on the plus strand (C on the coding strand, the reverse complement: RSPH3 is on the minus strand); the first of 3 consecutive G bases (chr6:158,999,693-158,999,695); deleting any one gives the same sequence. VCF-style (leftmost placement, unchanged base first): chr6-158999692-CG-C. GRCh37 (hg19) VCF-style: chr6-159420724-CG-C.
Other names: c.284del, p.Pro95fs (NM_001346418.1); short protein forms P95fs.
Identifiers: ClinVar variation 1031472 (VCV001031472.1), dbSNP rs752134900, ClinGen allele CA4076046.

ClinVar aggregate classification (germline): Pathogenic (1 of 4 stars; one submission).

Conditions:
Primary ciliary dyskinesia 32. Also called: CILIARY DYSKINESIA, PRIMARY, 32, WITHOUT SITUS INVERSUS. Identifiers: Orphanet 244, MedGen C4225311, MONDO:0014657, OMIM 616481.

Submission:

Baylor Genetics
Classification: Pathogenic for Primary ciliary dyskinesia 32. Last evaluated: 2018-10-30. Review status: criteria provided, single submitter. Criteria: ACMG Guidelines, 2015. Collection method: clinical testing. Allele origin: paternal. Affected: yes.
Comment: This variant was determined to be pathogenic according to ACMG Guidelines, 2015 [PMID:25741868].